The following is an entry in ClinVar:

NM_033409.4(SLC52A3):c.694G>T (p.Ala232Ser)

Gene: SLC52A3 (solute carrier family 52 member 3; minus strand). Cytogenetic location: 20p13.
Variant type: single nucleotide variant.
Coding change: c.694G>T on transcript NM_033409.4 (MANE Select); coding-DNA position 694, G replaced by T.
Protein change: p.Ala232Ser; replaces alanine 232 with serine.
Molecular consequence: missense variant.
Genome position (GRCh38, 1-based): chr20:763,877, C>A on the plus strand (G>T on the coding strand, the complement: SLC52A3 is on the minus strand). VCF-style: chr20-763877-C-A. GRCh37 (hg19) VCF-style: chr20-744521-C-A.
Other names: c.694G>T, p.Ala232Ser (NM_001370085.1, NM_001370086.1); short protein forms A232S.
Identifiers: ClinVar variation 2143852 (VCV002143852.1), dbSNP rs766720641, ClinGen allele CA9724703.

ClinVar aggregate classification (germline): Uncertain significance (1 of 4 stars; one submission).

Conditions:
Brown-Vialetto-van Laere syndrome 1. Also called: BROWN-VIALETTO-VAN LAERE SYNDROME 1, MILD; BULBAR PALSY, PROGRESSIVE, WITH SENSORINEURAL DEAFNESS; PONTOBULBAR PALSY WITH DEAFNESS. Identifiers: Orphanet 572550, Orphanet 97229, MedGen C0796274, MONDO:0024537, OMIM 211530.

Allele frequency attached by ClinVar (database versions not stated): TOPMed below 0.00001; gnomAD exomes 0.00001; ExAC 0.00003.
gnomAD v4.1: 11 of 1,614,084 alleles (0.00068%); highest among the groups gnomAD compares: Non-Finnish European, 0.00093%; no homozygotes.

Submission:

Labcorp Genetics (formerly Invitae), Labcorp
Classification: Uncertain significance for Brown-Vialetto-van Laere syndrome 1. Last evaluated: 2022-04-21. Review status: criteria provided, single submitter. Criteria: Invitae Variant Classification Sherloc (09022015). Collection method: clinical testing. Allele origin: germline.
Comment: This sequence change replaces alanine, which is neutral and non-polar, with serine, which is neutral and polar, at codon 232 of the SLC52A3 protein (p.Ala232Ser). This variant is present in population databases (rs766720641, gnomAD 0.004%). This variant has not been reported in the literature in individuals affected with SLC52A3-related conditions. Algorithms developed to predict the effect of missense changes on protein structure and function (SIFT, PolyPhen-2, Align-GVGD) all suggest that this variant is likely to be tolerated. In summary, the available evidence is currently insufficient to determine the role of this variant in disease. Therefore, it has been classified as a Variant of Uncertain Significance.